The following is an entry in ClinVar:

ClinVar aggregate classification (germline): Benign (1 of 4 stars; one submission).

Conditions:
Tuberous sclerosis 2 (TSC2). Identifiers: Orphanet 805, MedGen C1860707, MONDO:0013199, OMIM 613254.

gnomAD v4.1: 2 of 1,613,210 alleles (0.00012%); highest among the groups gnomAD compares: South Asian, 0.0011%; no homozygotes.

Submission:

Myriad Genetics, Inc.
Classification: Benign for Tuberous sclerosis 2. Last evaluated: 2025-06-06. Review status: criteria provided, single submitter. Criteria: Myriad Autosomal Dominant, Autosomal Recessive and X-Linked Classification Criteria (2023). Collection method: clinical testing. Allele origin: unknown.
Comment: This variant is considered benign. This variant is a silent/synonymous amino acid change and it is not expected to impact splicing.

NM_000548.5(TSC2):c.5166C>G (p.Ala1722=)

Gene: TSC2 (TSC complex subunit 2; plus strand). Cytogenetic location: 16p13.3.
Variant type: single nucleotide variant.
Coding change: c.5166C>G on transcript NM_000548.5 (MANE Select); coding-DNA position 5166, C replaced by G.
Protein change: p.Ala1722=; no amino-acid change (alanine 1722 retained).
Molecular consequence: synonymous variant. On other transcripts: non-coding transcript variant (5), intron variant (1).
Genome position (GRCh38, 1-based): chr16:2,088,232, C>G. VCF-style: chr16-2088232-C-G. GRCh37 (hg19) VCF-style: chr16-2138233-C-G.
Other names: c.4965C>G, p.Ala1655= (NM_001077183.3); c.5097C>G, p.Ala1699= (NM_001114382.3); c.4857C>G, p.Ala1619= (NM_001318827.2); c.4821C>G, p.Ala1607= (NM_001318829.2); c.4434C>G, p.Ala1478= (NM_001318831.2); c.4998C>G, p.Ala1666= (NM_001318832.2); c.4968C>G, p.Ala1656= (NM_001363528.2); c.5034C>G, p.Ala1678= (NM_001370404.1); and 27 more.
Identifiers: ClinVar variation 4071144 (VCV004071144.1).